The following is an entry in ClinVar:

NM_004104.5(FASN):c.6739G>A (p.Val2247Met)

Gene: FASN (fatty acid synthase; minus strand). Cytogenetic location: 17q25.3.
Variant type: single nucleotide variant.
Coding change: c.6739G>A on transcript NM_004104.5 (MANE Select); coding-DNA position 6739, G replaced by A.
Protein change: p.Val2247Met; replaces valine 2247 with methionine.
Molecular consequence: missense variant.
Genome position (GRCh38, 1-based): chr17:82,080,779, C>T on the plus strand (G>A on the coding strand, the complement: FASN is on the minus strand). VCF-style: chr17-82080779-C-T. GRCh37 (hg19) VCF-style: chr17-80038655-C-T.
Other names: short protein forms V2247M.
Identifiers: ClinVar variation 2813240 (VCV002813240.3), dbSNP rs1054175917, ClinGen allele CA401598654.

ClinVar aggregate classification (germline): Uncertain significance (1 of 4 stars; one submission).

Conditions:
Epileptic encephalopathy. Identifiers: MedGen C0543888, HP:0200134.

Allele frequency attached by ClinVar (database versions not stated): gnomAD exomes below 0.00001.
gnomAD v4.1: 2 of 1,604,616 alleles (0.00012%); highest among the groups gnomAD compares: Non-Finnish European, 0.00017%; no homozygotes.

Submission:

Labcorp Genetics (formerly Invitae), Labcorp
Classification: Uncertain significance for Epileptic encephalopathy. Last evaluated: 2023-03-27. Review status: criteria provided, single submitter. Criteria: Invitae Variant Classification Sherloc (09022015). Collection method: clinical testing. Allele origin: germline.
Comment: In summary, the available evidence is currently insufficient to determine the role of this variant in disease. Therefore, it has been classified as a Variant of Uncertain Significance. An algorithm developed to predict the effect of missense changes on protein structure and function (PolyPhen-2) suggests that this variant is likely to be disruptive. This variant has not been reported in the literature in individuals affected with FASN-related conditions. This variant is not present in population databases (gnomAD no frequency). This sequence change replaces valine, which is neutral and non-polar, with methionine, which is neutral and non-polar, at codon 2247 of the FASN protein (p.Val2247Met).